The following is an entry in ClinVar:

NM_000540.3(RYR1):c.13581T>G (p.Pro4527=)

Gene: RYR1 (ryanodine receptor 1; plus strand). Cytogenetic location: 19q13.2.
Variant type: single nucleotide variant.
Coding change: c.13581T>G on transcript NM_000540.3 (MANE Select); coding-DNA position 13581, T replaced by G.
Protein change: p.Pro4527=; no amino-acid change (proline 4527 retained).
Molecular consequence: synonymous variant.
Genome position (GRCh38, 1-based): chr19:38,567,839, T>G. VCF-style: chr19-38567839-T-G. GRCh37 (hg19) VCF-style: chr19-39058479-T-G.
Other names: c.13566T>G, p.Pro4522= (NM_001042723.2).
Identifiers: ClinVar variation 3074142 (VCV003074142.1), dbSNP rs2514694247, ClinGen allele CA507244357.

ClinVar aggregate classification (germline): Likely benign (1 of 4 stars; one submission).

Conditions:
Malignant hyperthermia, susceptibility to, 1 (MHS1). Also called: Anesthesia related hyperthermia; Malignant hyperpyrexia; Fulminating hyperpyrexia; Pharmacogenic myopathy; RYR1-Related Malignant Hyperthermia Susceptibility; Malignant hyperthermia suceptibility 1. Identifiers: Orphanet 423, MedGen C2930980, MONDO:0007783, OMIM 145600.

Submission:

All of Us Research Program, National Institutes of Health
Classification: Likely benign for Malignant hyperthermia, susceptibility to, 1. Last evaluated: 2023-10-23. Review status: criteria provided, single submitter. Criteria: ACMG Guidelines, 2015. Collection method: clinical testing. Allele origin: germline. Inheritance: Autosomal dominant inheritance. Observed: 1 variant allele, 1 heterozygote.
Comment: This study involves interpretation of variants in research participants for the purpose of population health screening. Participant phenotype was not available at the time of variant classification. Additional details can be found in publication PMID: 35346344, PMCID: PMC8962531